The following is an entry in ClinVar:

ClinVar aggregate classification (germline): Uncertain significance (1 of 4 stars; one submission).

Allele frequency attached by ClinVar (database versions not stated): gnomAD exomes 0.00001; TOPMed 0.00002.
gnomAD v4.1: 9 of 1,613,164 alleles (0.00056%); highest among the groups gnomAD compares: East Asian, 0.02%; no homozygotes.

Submission:

Labcorp Genetics (formerly Invitae), Labcorp
Classification: Uncertain significance. Last evaluated: 2025-06-16. Review status: criteria provided, single submitter. Criteria: Invitae Variant Classification Sherloc (09022015). Collection method: clinical testing. Allele origin: germline.
Comment: This sequence change replaces leucine, which is neutral and non-polar, with glutamine, which is neutral and polar, at codon 312 of the CHRM2 protein (p.Leu312Gln). This variant is present in population databases (rs200017653, gnomAD 0.02%). This variant has not been reported in the literature in individuals affected with CHRM2-related conditions. ClinVar contains an entry for this variant (Variation ID: 1044674). An algorithm developed to predict the effect of missense changes on protein structure and function outputs the following: PolyPhen-2: "Benign". The glutamine amino acid residue is found in multiple mammalian species, which suggests that this missense change does not adversely affect protein function. In summary, the available evidence is currently insufficient to determine the role of this variant in disease. Therefore, it has been classified as a Variant of Uncertain Significance.

NM_001006630.2(CHRM2):c.935T>A (p.Leu312Gln)

Genes: CHRM2 (cholinergic receptor muscarinic 2; plus strand), LOC349160 (uncharacterized LOC349160; minus strand). Cytogenetic location: 7q33.
Variant type: single nucleotide variant.
Coding change: c.935T>A on transcript NM_001006630.2 (MANE Select); coding-DNA position 935, T replaced by A.
Protein change: p.Leu312Gln; replaces leucine 312 with glutamine.
Molecular consequence: missense variant.
Genome position (GRCh38, 1-based): chr7:137,015,800, T>A. VCF-style: chr7-137015800-T-A. GRCh37 (hg19) VCF-style: chr7-136700547-T-A.
Other names: c.935T>A, p.Leu312Gln (NM_001378972.1, NM_001378973.1, NM_000739.3 and 6 more transcripts); short protein forms L312Q.
Identifiers: ClinVar variation 1044674 (VCV001044674.9), dbSNP rs200017653, ClinGen allele CA4500593.